The following is an entry in ClinVar:

ClinVar aggregate classification (germline): Uncertain significance (1 of 4 stars; one submission).

Conditions:
Aicardi-Goutieres syndrome 6 (AGS6). Identifiers: Orphanet 51, MedGen C3539013, MONDO:0014007, OMIM 615010.
Symmetrical dyschromatosis of extremities (DSH). Also called: DYSCHROMATOSIS SYMMETRICA HEREDITARIA 1; RETICULATE ACROPIGMENTATION OF DOHI; SYMMETRIC DYSCHROMATOSIS OF THE EXTREMITIES; Dyschromatosis symmetrica hereditaria. Identifiers: Orphanet 41, MedGen C0406775, MONDO:0007483, OMIM 127400.

Submission:

Labcorp Genetics (formerly Invitae), Labcorp
Classification: Uncertain significance for Aicardi-Goutieres syndrome 6; Symmetrical dyschromatosis of extremities. Last evaluated: 2024-09-26. Review status: criteria provided, single submitter. Criteria: Invitae Variant Classification Sherloc (09022015). Collection method: clinical testing. Allele origin: germline.
Comment: This sequence change falls in intron 1 of the ADAR gene. It does not directly change the encoded amino acid sequence of the ADAR protein. It affects a nucleotide within the consensus splice site. This variant is not present in population databases (gnomAD no frequency). This variant has not been reported in the literature in individuals affected with ADAR-related conditions. ClinVar contains an entry for this variant (Variation ID: 2120702). Variants that disrupt the consensus splice site are a relatively common cause of aberrant splicing (PMID: 17576681, 9536098). Algorithms developed to predict the effect of sequence changes on RNA splicing suggest that this variant is not likely to affect RNA splicing. In summary, the available evidence is currently insufficient to determine the role of this variant in disease. Therefore, it has been classified as a Variant of Uncertain Significance.

Literature cited by the submitters: PubMed 17576681; PubMed 9536098.

NM_001111.5(ADAR):c.15+6C>G

Genes: ADAR (adenosine deaminase RNA specific; minus strand), LOC129931512 (ATAC-STARR-seq lymphoblastoid silent region 1364; plus strand). Cytogenetic location: 1q21.3.
Variant type: single nucleotide variant.
Coding change: c.15+6C>G on transcript NM_001111.5 (MANE Select); 6 bases into the intron after coding-DNA position 15, C replaced by G.
Molecular consequence: intron variant.
Genome position (GRCh38, 1-based): chr1:154,607,986, G>C on the plus strand (C>G on the coding strand, the complement: ADAR is on the minus strand). VCF-style: chr1-154607986-G-C. GRCh37 (hg19) VCF-style: chr1-154580462-G-C.
Other names: c.-734-5360C>G (NM_001365046.1); c.43-5360C>G (NM_001365045.1); c.-870-5360C>G (NM_001025107.3); c.-871+765C>G (NM_001365048.1); c.-735+6C>G (NM_001365049.1, NM_001365047.1); c.15+6C>G (NM_015841.4, NM_015840.4).
Identifiers: ClinVar variation 2120702 (VCV002120702.4), dbSNP rs1698312357, ClinGen allele CA2580061211.